The following is an entry in ClinVar:

ClinVar aggregate classification (germline): Uncertain significance. Review status: criteria provided, multiple submitters, no conflicts (2 of 4 stars). 5 submissions from 5 submitters: Uncertain significance (5). Last evaluated 2026-07-28.

Conditions:
POLG-related disorder. Also called: POLG-Related Spectrum Disorders; POLG-related condition; POLG-Related Disorders. Identifiers: MedGen C4763519.
Progressive sclerosing poliodystrophy (MTDPS4A). Also called: NEURONAL DEGENERATION OF CHILDHOOD WITH LIVER DISEASE, PROGRESSIVE; Alpers Syndrome; ALPERS DIFFUSE DEGENERATION OF CEREBRAL GRAY MATTER WITH HEPATIC CIRRHOSIS; Alpers-Huttenlocher Syndrome; Mitochondrial DNA depletion syndrome 4A (Alpers type); Mitochondrial DNA Depletion Syndrome 4A. Identifiers: Orphanet 726, MedGen C0205710, MONDO:0008758, OMIM 203700.
MELAS syndrome (MELAS). Also called: Juvenile myopathy, encephalopathy, lactic acidosis, stroke. Identifiers: Orphanet 550, MedGen C0162671, MONDO:0010789, OMIM 540000.

Allele frequency attached by ClinVar (database versions not stated): gnomAD exomes below 0.00001; ExAC 0.00001; TOPMed 0.00002; gnomAD 0.00003; ESP Exome Variant Server 0.00008.
gnomAD v4.1: 9 of 1,612,838 alleles (0.00056%); highest among the groups gnomAD compares: African/African-American, 0.0067%; no homozygotes.

Submissions (5):

PreventionGenetics, part of Exact Sciences
Classification: Uncertain significance for POLG-related condition. Last evaluated: 2026-07-28. Review status: criteria provided, single submitter. Criteria: ACMG Guidelines, 2015. Collection method: clinical testing. Allele origin: germline.
Comment: The POLG c.895A>G variant is predicted to result in the amino acid substitution p.Met299Val. To our knowledge, this variant has not been reported in the literature. This variant is reported in 0.0081% of alleles in individuals of African descent in gnomAD. Alternative substitutions affecting the same amino acid (p.Met299Leu and p.Met299Ile) have been reported in individuals with autosomal recessive POLG-related disorders (Table e-1, Tchikviladzé et al. 2015. PubMed ID: 25118206; Yasuda et al. 2019. PubMed ID: 30385167; Table S3A, Salfati et al 2019. PubMed ID: 31847883). At this time, the clinical significance of the c.895A>G (p.Met299Val) variant is uncertain due to the absence of conclusive functional and genetic evidence.

GeneDx
Classification: Uncertain significance. Last evaluated: 2025-10-14. Review status: criteria provided, single submitter. Criteria: GeneDx Variant Classification Process June 2021. Collection method: clinical testing. Allele origin: germline. Affected: yes.
Comment: Not observed at significant frequency in large population cohorts (gnomAD); In silico analysis suggests that this missense variant does not alter protein structure/function; Has not been previously published as pathogenic or benign to our knowledge

Labcorp Genetics (formerly Invitae), Labcorp
Classification: Uncertain significance for Progressive sclerosing poliodystrophy. Last evaluated: 2025-03-24. Review status: criteria provided, single submitter. Criteria: Invitae Variant Classification Sherloc (09022015). Collection method: clinical testing. Allele origin: germline.
Comment: This sequence change replaces methionine, which is neutral and non-polar, with valine, which is neutral and non-polar, at codon 299 of the POLG protein (p.Met299Val). The frequency data for this variant in the population databases is considered unreliable, as metrics indicate poor data quality at this position in the gnomAD database. This variant has not been reported in the literature in individuals affected with POLG-related conditions. ClinVar contains an entry for this variant (Variation ID: 1312800). Invitae Evidence Modeling of protein sequence and biophysical properties (such as structural, functional, and spatial information, amino acid conservation, physicochemical variation, residue mobility, and thermodynamic stability) indicates that this missense variant is not expected to disrupt POLG protein function with a negative predictive value of 95%. In summary, the available evidence is currently insufficient to determine the role of this variant in disease. Therefore, it has been classified as a Variant of Uncertain Significance.

Women's Health and Genetics/Laboratory Corporation of America, LabCorp
Classification: Uncertain significance. Last evaluated: 2024-03-20. Review status: criteria provided, single submitter. Criteria: LabCorp Variant Classification Summary - May 2015. Collection method: clinical testing. Allele origin: germline.
Comment: Variant summary: POLG c.895A>G (p.Met299Val) results in a conservative amino acid change located in the DNA mitochondrial polymerase, exonuclease domain (IPR041336) of the encoded protein sequence. Three of five in-silico tools predict a benign effect of the variant on protein function. The variant allele was found at a frequency of 4.1e-06 in 246768 control chromosomes. The available data on variant occurrences in the general population are insufficient to allow any conclusion about variant significance. To our knowledge, no occurrence of c.895A>G in individuals affected with Mitochondrial DNA Depletion Syndrome - POLG Related and no experimental evidence demonstrating its impact on protein function have been reported. ClinVar contains an entry for this variant (Variation ID: 1312800). Based on the evidence outlined above, the variant was classified as uncertain significance.

MGZ Medical Genetics Center
Classification: Uncertain significance for MELAS syndrome. Last evaluated: 2021-12-15. Review status: criteria provided, single submitter. Criteria: ACMG Guidelines, 2015. Collection method: clinical testing. Allele origin: germline. Affected: yes. Observed: 1 variant allele.
Comment: ACMG criteria applied: PM1, PM2_SUP, PP2

NM_002693.3(POLG):c.895A>G (p.Met299Val)

Gene: POLG (DNA polymerase gamma, catalytic subunit; minus strand). Cytogenetic location: 15q26.1.
Variant type: single nucleotide variant.
Coding change: c.895A>G on transcript NM_002693.3 (MANE Select); coding-DNA position 895, A replaced by G.
Protein change: p.Met299Val; replaces methionine 299 with valine.
Molecular consequence: missense variant.
Genome position (GRCh38, 1-based): chr15:89,329,071, T>C on the plus strand (A>G on the coding strand, the complement: POLG is on the minus strand). VCF-style: chr15-89329071-T-C. GRCh37 (hg19) VCF-style: chr15-89872302-T-C.
Other names: c.895A>G, p.Met299Val (NM_001126131.2); short protein forms M299V.
Identifiers: ClinVar variation 1312800 (VCV001312800.13), dbSNP rs140262282, ClinGen allele CA7725004.